The following is an entry in ClinVar:

NM_007315.4(STAT1):c.1613C>T (p.Pro538Leu)

Gene: STAT1 (signal transducer and activator of transcription 1; minus strand). Cytogenetic location: 2q32.2.
Variant type: single nucleotide variant.
Coding change: c.1613C>T on transcript NM_007315.4 (MANE Select); coding-DNA position 1613, C replaced by T.
Protein change: p.Pro538Leu; replaces proline 538 with leucine.
Molecular consequence: missense variant.
Genome position (GRCh38, 1-based): chr2:190,980,639, G>A on the plus strand (C>T on the coding strand, the complement: STAT1 is on the minus strand). VCF-style: chr2-190980639-G-A. GRCh37 (hg19) VCF-style: chr2-191845365-G-A.
Other names: c.1553C>T, p.Pro518Leu (NM_001384880.1); c.1619C>T, p.Pro540Leu (NM_001384881.1, NM_001384884.1); c.1607C>T, p.Pro536Leu (NM_001384882.1); c.1514C>T, p.Pro505Leu (NM_001384883.1); c.1454C>T, p.Pro485Leu (NM_001384885.1); c.1613C>T, p.Pro538Leu (NM_001384886.1, NM_001384889.1, NM_139266.3); c.1520C>T, p.Pro507Leu (NM_001384887.1); c.1583C>T, p.Pro528Leu (NM_001384888.1); and 2 more; short protein forms P505L, P536L, P485L, P508L, P540L, P550L, P528L, P507L.
Identifiers: ClinVar variation 2093067 (VCV002093067.5), dbSNP rs1803838, ClinGen allele CA2029879.

ClinVar aggregate classification (germline): Uncertain significance. Review status: criteria provided, multiple submitters, no conflicts (2 of 4 stars). 2 submissions from 2 submitters: Uncertain significance (2). Last evaluated 2025-09-10.

Conditions:
Immunodeficiency 31B. Also called: STAT1 DEFICIENCY, AUTOSOMAL RECESSIVE; IMMUNODEFICIENCY 31B, MYCOBACTERIAL AND VIRAL INFECTIONS, AUTOSOMAL RECESSIVE. Identifiers: Orphanet 391311, MedGen C3151088, MONDO:0013427, OMIM 613796.
Autoimmune enteropathy and endocrinopathy - susceptibility to chronic infections syndrome. Also called: Immunodeficiency 31C; Immunodeficiency 31C, autosomal dominant. Identifiers: Orphanet 391487, MedGen C3279990, MONDO:0013599, OMIM 614162.
Mendelian susceptibility to mycobacterial diseases due to partial STAT1 deficiency. Also called: IMMUNODEFICIENCY 31A, MYCOBACTERIOSIS, AUTOSOMAL DOMINANT; STAT1 DEFICIENCY, AUTOSOMAL DOMINANT; Immunodeficiency 31a. Identifiers: Orphanet 319595, MedGen C4013950, MONDO:0013956, OMIM 614892.

Allele frequency attached by ClinVar (database versions not stated): gnomAD exomes below 0.00001; ExAC 0.00002; TOPMed 0.00002.
gnomAD v4.1: 6 of 1,614,146 alleles (0.00037%); highest among the groups gnomAD compares: Admixed American, 0.0017%; no homozygotes.

Submissions (2):

Genomic Medicine Center of Excellence, King Faisal Specialist Hospital and Research Centre
Classification: Uncertain significance for Immunodeficiency 31B. Last evaluated: 2025-09-10. Review status: criteria provided, single submitter. Criteria: ACMG Guidelines, 2015. Collection method: clinical testing. Allele origin: germline.

Labcorp Genetics (formerly Invitae), Labcorp
Classification: Uncertain significance for Mendelian susceptibility to mycobacterial diseases due to partial STAT1 deficiency; Immunodeficiency 31B; Autoimmune enteropathy and endocrinopathy - susceptibility to chronic infections syndrome. Last evaluated: 2024-11-11. Review status: criteria provided, single submitter. Criteria: Invitae Variant Classification Sherloc (09022015). Collection method: clinical testing. Allele origin: germline.
Comment: This sequence change replaces proline, which is neutral and non-polar, with leucine, which is neutral and non-polar, at codon 538 of the STAT1 protein (p.Pro538Leu). This variant is present in population databases (rs1803838, gnomAD 0.003%). This variant has not been reported in the literature in individuals affected with STAT1-related conditions. ClinVar contains an entry for this variant (Variation ID: 2093067). An algorithm developed to predict the effect of missense changes on protein structure and function (PolyPhen-2) suggests that this variant is likely to be tolerated. In summary, the available evidence is currently insufficient to determine the role of this variant in disease. Therefore, it has been classified as a Variant of Uncertain Significance.